The following is an entry in ClinVar:

ClinVar aggregate classification (germline): Conflicting classifications of pathogenicity. Review status: criteria provided, conflicting classifications (1 of 4 stars). 2 submissions from 2 submitters: Uncertain significance (1); Benign (1). Last evaluated 2018-01-12.

Conditions:
Pitt-Hopkins-like syndrome 2 (PTHSL2). Identifiers: Orphanet 221150, Orphanet 600663, MedGen C3280479, MONDO:0013690, OMIM 614325.

Allele frequency attached by ClinVar (database versions not stated): 1000 Genomes Project 0.00020; 1000 Genomes Project 30x 0.00047; TOPMed 0.00070; gnomAD 0.00078 and 0.00081.

Submissions (2):

Illumina Laboratory Services, Illumina
Classification: Uncertain significance for Pitt-Hopkins-like syndrome 2. Last evaluated: 2018-01-12. Review status: criteria provided, single submitter. Criteria: ICSL Variant Classification Criteria 13 December 2019. Collection method: clinical testing. Allele origin: germline.

GeneDx
Classification: Benign. Last evaluated: 2013-04-18. Review status: criteria provided, single submitter. Criteria: GeneDx Variant Classification (06012015). Collection method: clinical testing. Allele origin: germline. Affected: yes.
Comment: This variant is considered likely benign or benign based on one or more of the following criteria: it is a conservative change, it occurs at a poorly conserved position in the protein, it is predicted to be benign by multiple in silico algorithms, and/or has population frequency not consistent with disease.

NM_001330078.2(NRXN1):c.-922+7A>C

Gene: NRXN1 (neurexin 1; minus strand). Cytogenetic location: 2p16.3.
Variant type: single nucleotide variant.
Coding change: c.-922+7A>C on transcript NM_001330078.2 (MANE Select); 7 bases into the intron after 922 bases upstream of the start codon, A replaced by C.
Molecular consequence: intron variant.
Genome position (GRCh38, 1-based): chr2:51,031,974, T>G on the plus strand (A>C on the coding strand, the complement: NRXN1 is on the minus strand). VCF-style: chr2-51031974-T-G. GRCh37 (hg19) VCF-style: chr2-51259112-T-G.
Other names: c.-922+7A>C (NM_001330096.2, NM_001330087.2, NM_001330083.2 and 15 more transcripts).
Identifiers: ClinVar variation 138540 (VCV000138540.5), dbSNP rs200115353, ClinGen allele CA292584.